The following is an entry in ClinVar:

NM_004360.5(CDH1):c.311A>G (p.Asp104Gly)

Gene: CDH1 (cadherin 1; plus strand). Cytogenetic location: 16q22.1.
Variant type: single nucleotide variant.
Coding change: c.311A>G on transcript NM_004360.5 (MANE Select); coding-DNA position 311, A replaced by G.
Protein change: p.Asp104Gly; replaces aspartic acid 104 with glycine.
Molecular consequence: missense variant. On other transcripts: 5 prime UTR variant (2).
Genome position (GRCh38, 1-based): chr16:68,801,817, A>G. VCF-style: chr16-68801817-A-G. GRCh37 (hg19) VCF-style: chr16-68835720-A-G.
Other names: c.311A>G, p.Asp104Gly (NM_001317184.2); c.-1305A>G (NM_001317185.2); c.-1509A>G (NM_001317186.2); short protein forms D104G.
Identifiers: ClinVar variation 3024037 (VCV003024037.3), dbSNP rs760351575, ClinGen allele CA396457362.
Genomic context (GRCh38, chr16:68,801,817, plus strand): 5'-CAGTCAAAAGGCCTCTACGGTTTCATAACCCACAGATCCATTTCTTGGTCTACGCCTGGG[A>G]CTCCACCTACAGAAAGTTTTCCACCAAAGTCACGCTGAATACAGTGGGGCACCACCACCG-3'
Protein context (NP_004351.1, residues 94-114): PQIHFLVYAW[Asp104Gly]STYRKFSTKV

ClinVar aggregate classification (germline): Uncertain significance (1 of 4 stars; one submission).

Conditions:
Hereditary diffuse gastric adenocarcinoma (HDGC). Also called: DIFFUSE GASTRIC AND LOBULAR BREAST CANCER SYNDROME. Identifiers: Orphanet 26106, MedGen C1708349, MONDO:0007648, OMIM 137215.

Submission:

Labcorp Genetics (formerly Invitae), Labcorp
Classification: Uncertain significance for Hereditary diffuse gastric adenocarcinoma. Last evaluated: 2023-07-08. Review status: criteria provided, single submitter. Criteria: Invitae Variant Classification Sherloc (09022015). Collection method: clinical testing. Allele origin: germline.
Comment: An algorithm developed to predict the effect of missense changes on protein structure and function (PolyPhen-2) suggests that this variant is likely to be disruptive. In summary, the available evidence is currently insufficient to determine the role of this variant in disease. Therefore, it has been classified as a Variant of Uncertain Significance. This variant has not been reported in the literature in individuals affected with CDH1-related conditions. This variant is not present in population databases (gnomAD no frequency). This sequence change replaces aspartic acid, which is acidic and polar, with glycine, which is neutral and non-polar, at codon 104 of the CDH1 protein (p.Asp104Gly).